The following is an entry in ClinVar:

ClinVar aggregate classification (germline): Uncertain significance (1 of 4 stars; one submission).

Conditions:
Psoriasis 2. Identifiers: MedGen C1864497, MONDO:0011269, OMIM 602723.
Pityriasis rubra pilaris (PRP). Also called: Pityriasis rubra pilaris--familial type. Identifiers: Orphanet 2897, MedGen C0032027, MONDO:0100017, OMIM 173200, MONDO:0008251.

Allele frequency attached by ClinVar (database versions not stated): TOPMed 0.00001; ESP Exome Variant Server 0.00008.
gnomAD v4.1: 6 of 1,593,476 alleles (0.00038%); highest among the groups gnomAD compares: African/African-American, 0.0027%; no homozygotes.

Submission:

Labcorp Genetics (formerly Invitae), Labcorp
Classification: Uncertain significance for Pityriasis rubra pilaris; Psoriasis 2. Last evaluated: 2022-08-09. Review status: criteria provided, single submitter. Criteria: Invitae Variant Classification Sherloc (09022015). Collection method: clinical testing. Allele origin: germline.
Comment: In summary, the available evidence is currently insufficient to determine the role of this variant in disease. Therefore, it has been classified as a Variant of Uncertain Significance. Algorithms developed to predict the effect of sequence changes on RNA splicing suggest that this variant may create or strengthen a splice site. ClinVar contains an entry for this variant (Variation ID: 962507). This variant has not been reported in the literature in individuals affected with CARD14-related conditions. The frequency data for this variant in the population databases is considered unreliable, as metrics indicate poor data quality at this position in the gnomAD database. This sequence change creates a premature translational stop signal (p.Arg319*) in the CARD14 gene. It is expected to result in an absent or disrupted protein product. However, the current clinical and genetic evidence is not sufficient to establish whether loss-of-function variants in CARD14 cause disease.

NM_001366385.1(CARD14):c.955C>T (p.Arg319Ter)

Gene: CARD14 (caspase recruitment domain family member 14; plus strand). Cytogenetic location: 17q25.3.
Variant type: single nucleotide variant.
Coding change: c.955C>T on transcript NM_001366385.1 (MANE Select); coding-DNA position 955, C replaced by T.
Protein change: p.Arg319Ter; replaces arginine 319 with a stop codon.
Molecular consequence: nonsense. On other transcripts: non-coding transcript variant (1).
Genome position (GRCh38, 1-based): chr17:80,189,864, C>T. VCF-style: chr17-80189864-C-T. GRCh37 (hg19) VCF-style: chr17-78163663-C-T.
Other names: c.955C>T, p.Arg319Ter (NM_024110.4, NM_001257970.1); c.244C>T, p.Arg82Ter (NM_052819.3); short protein forms R82*, R319*.
Identifiers: ClinVar variation 962507 (VCV000962507.8), dbSNP rs367867373, ClinGen allele CA294864061.